The following is an entry in ClinVar:

ClinVar aggregate classification (germline): Pathogenic. Review status: criteria provided, single submitter (1 of 4 stars). 2 submissions from 2 submitters: Pathogenic (1). 1 of the submissions does not count toward it. Last evaluated 2025-12-14.

Conditions:
Bryant-Li-Bhoj neurodevelopmental syndrome 2 (BRYLIB2). Also called: H3-3B syndrome. Identifiers: MedGen C5676906, MONDO:0030607, OMIM 619721. Disease mechanism: loss of function.

Submissions (2):

3billion
Classification: Pathogenic for Bryant-Li-Bhoj neurodevelopmental syndrome 2. Last evaluated: 2025-12-14. Review status: criteria provided, single submitter. Criteria: ACMG Guidelines, 2015. Collection method: clinical testing. Allele origin: germline. Affected: yes.
Comment: The variant is not observed in the gnomAD v4.1.0 dataset. Predicted Consequence/Location: Missense variant. Missense changes are a common disease-causing mechanism. In silico tool predictions suggest damaging effect of the variant on gene or gene product [REVEL: 0.71 (>=0.6, sensitivity 0.68 and specificity 0.92); 3Cnet: 0.94 (> 0.75, sensitivity 0.96 and precision 0.92)]. The same nucleotide change resulting in the same amino acid change has been previously reported to be associated with H3-3B-related disorder (ClinVar ID: VCV001339274 /PMID: 31912665).The variant has been previously reported as de novo in at least two similarly affected unrelated individuals (PMID: 31912665, 33268356). The variant has been observed in at least two similarly affected unrelated individuals (PMID: 33268356). A different missense change at the same codon (p.Pro122Leu) has been reported to be associated with H3-3B-related disorder (ClinVar ID: VCV004293548 /PMID: 38678163 /3billion dataset). Therefore, this variant is classified as Pathogenic according to the recommendation of ACMG/AMP guideline.

OMIM
Classification: Pathogenic for BRYANT-LI-BHOJ NEURODEVELOPMENTAL SYNDROME 2. Last evaluated: 2022-02-02. Review status: no assertion criteria provided. Collection method: literature only. Allele origin: germline. Not counted in ClinVar's aggregate classification.

Literature cited by the submitters: PubMed 38678163 (cited by 3billion); PubMed 33268356 (cited by 3billion); PubMed 31912665 (cited by 3billion); Bryant, L., Li, D., Cox, S. G., Marchione, D., Joiner, E. F., Wilson, K., Janssen, K., Lee, P., March, M. E., Nair, D., Sherr, E., Fregeau, B., and 119 others Histone H3.3 beyond cancer: germline mutations in histone 3 family 3A and 3B cause a previously unidentified neurodegenerative disorder in 46 patients. Sci. Adv. 6: eabc9207, 2020. (cited by OMIM).

NM_005324.5(H3-3B):c.365C>G (p.Pro122Arg)

Gene: H3-3B (H3.3 histone B; minus strand). Cytogenetic location: 17q25.1.
Variant type: single nucleotide variant.
Coding change: c.365C>G on transcript NM_005324.5 (MANE Select); coding-DNA position 365, C replaced by G.
Protein change: p.Pro122Arg; replaces proline 122 with arginine.
Molecular consequence: missense variant.
Genome position (GRCh38, 1-based): chr17:75,778,641, G>C on the plus strand (C>G on the coding strand, the complement: H3-3B is on the minus strand). VCF-style: chr17-75778641-G-C. GRCh37 (hg19) VCF-style: chr17-73774722-G-C.
Other names: H3F3B, PRO122ARG; short protein forms P122R.
Identifiers: ClinVar variation 1339274 (VCV001339274.2), dbSNP rs2143629995, ClinGen allele CA401115099.